The following is an entry in ClinVar:

ClinVar aggregate classification (germline): Uncertain significance. Review status: criteria provided, multiple submitters, no conflicts (2 of 4 stars). 2 submissions from 2 submitters: Uncertain significance (2). Last evaluated 2023-12-08.

Conditions:
Ataxia-telangiectasia syndrome (AT). Also called: ATAXIA-TELANGIECTASIA, COMPLEMENTATION GROUP A; ATAXIA-TELANGIECTASIA, FRESNO VARIANT; Ataxia-telangiectasia; Ataxia-telangiectasia, complementation group E; LOUIS-BAR SYNDROME; Cerebello-oculocutaneous telangiectasia. Identifiers: Orphanet 100, MedGen C0004135, MONDO:0008840, OMIM 208900.

Submissions (2):

Labcorp Genetics (formerly Invitae), Labcorp
Classification: Uncertain significance for Ataxia-telangiectasia syndrome. Last evaluated: 2023-12-08. Review status: criteria provided, single submitter. Criteria: Invitae Variant Classification Sherloc (09022015). Collection method: clinical testing. Allele origin: germline.
Comment: This sequence change replaces threonine, which is neutral and polar, with alanine, which is neutral and non-polar, at codon 2947 of the ATM protein (p.Thr2947Ala). This variant is not present in population databases (gnomAD no frequency). This variant has not been reported in the literature in individuals affected with ATM-related conditions. An algorithm developed to predict the effect of missense changes on protein structure and function (PolyPhen-2) suggests that this variant is likely to be disruptive. In summary, the available evidence is currently insufficient to determine the role of this variant in disease. Therefore, it has been classified as a Variant of Uncertain Significance.

GeneDx
Classification: Uncertain significance. Last evaluated: 2023-06-08. Review status: criteria provided, single submitter. Criteria: GeneDx Variant Classification Process June 2021. Collection method: clinical testing. Allele origin: germline. Affected: yes.
Comment: Not observed at significant frequency in large population cohorts (gnomAD); In silico analysis supports that this missense variant has a deleterious effect on protein structure/function; Has not been previously published as pathogenic or benign to our knowledge; This variant is associated with the following publications: (PMID: 23532176)

NM_000051.4(ATM):c.8839A>G (p.Thr2947Ala)

Genes: ATM (ATM serine/threonine kinase; plus strand), C11orf65 (chromosome 11 open reading frame 65; minus strand). Cytogenetic location: 11q22.3.
Variant type: single nucleotide variant.
Coding change: c.8839A>G on transcript NM_000051.4 (MANE Select); coding-DNA position 8839, A replaced by G.
Protein change: p.Thr2947Ala; replaces threonine 2947 with alanine.
Molecular consequence: missense variant. On other transcripts: intron variant (2).
Genome position (GRCh38, 1-based): chr11:108,354,863, A>G. VCF-style: chr11-108354863-A-G. GRCh37 (hg19) VCF-style: chr11-108225590-A-G.
Other names: c.8839A>G, p.Thr2947Ala (NM_001351834.2); c.640+31057T>C (NM_001330368.2); c.695-19571T>C (NM_001351110.2); short protein forms T2947A.
Identifiers: ClinVar variation 2979881 (VCV002979881.4), dbSNP rs760950400, ClinGen allele CA382526048.